The following is an entry in ClinVar:

ClinVar aggregate classification (germline): Uncertain significance (1 of 4 stars; one submission).

Allele frequency attached by ClinVar (database versions not stated): gnomAD exomes below 0.00001.
gnomAD v4.1: 5 of 1,613,388 alleles (0.00031%); highest among the groups gnomAD compares: Admixed American, 0.0017%; no homozygotes.

Submission:

Ambry Genetics
Classification: Uncertain significance. Last evaluated: 2023-11-09. Review status: criteria provided, single submitter. Criteria: Ambry Variant Classification Scheme 2023. Collection method: clinical testing. Allele origin: germline.
Comment: The p.N1287S variant (also known as c.3860A>G), located in coding exon 16 of the POLQ gene, results from an A to G substitution at nucleotide position 3860. The asparagine at codon 1287 is replaced by serine, an amino acid with highly similar properties. This amino acid position is conserved. In addition, this alteration is predicted to be tolerated by in silico analysis. Since supporting evidence is limited at this time, the clinical significance of this alteration remains unclear.

NM_199420.4(POLQ):c.3860A>G (p.Asn1287Ser)

Gene: POLQ (DNA polymerase theta; minus strand). Cytogenetic location: 3q13.33.
Variant type: single nucleotide variant.
Coding change: c.3860A>G on transcript NM_199420.4 (MANE Select); coding-DNA position 3860, A replaced by G.
Protein change: p.Asn1287Ser; replaces asparagine 1287 with serine.
Molecular consequence: missense variant.
Genome position (GRCh38, 1-based): chr3:121,489,071, T>C on the plus strand (A>G on the coding strand, the complement: POLQ is on the minus strand). VCF-style: chr3-121489071-T-C. GRCh37 (hg19) VCF-style: chr3-121207918-T-C.
Other names: short protein forms N1287S.
Identifiers: ClinVar variation 3229971 (VCV003229971.1), dbSNP rs2546786823, ClinGen allele CA354096859.
Genomic context (GRCh38, chr3:121,489,071, plus strand): 5'-TGATTATTTTTAGTTTTGTTTGTTGTATAAGTACCTGTTTTTTCTTGTAGTCTAGAAATA[T>C]TTAGAAAATTCTCATGCTGGCCTTCTGATTTGCTAAATGCTCCAGCTGATGGAAGTACTT-3'
Protein context (NP_955452.3, residues 1277-1297): KSEGQHENFL[Asn1287Ser]ISRLQEKTGT